The following is an entry in ClinVar:

NM_006282.5(STK4):c.397A>G (p.Thr133Ala)

Gene: STK4 (serine/threonine kinase 4; plus strand). Cytogenetic location: 20q13.12.
Variant type: single nucleotide variant.
Coding change: c.397A>G on transcript NM_006282.5 (MANE Select); coding-DNA position 397, A replaced by G.
Protein change: p.Thr133Ala; replaces threonine 133 with alanine.
Molecular consequence: missense variant.
Genome position (GRCh38, 1-based): chr20:44,987,168, A>G. VCF-style: chr20-44987168-A-G. GRCh37 (hg19) VCF-style: chr20-43615809-A-G.
Other names: c.397A>G (NM_006282.2); c.397A>G, p.Thr133Ala (NM_001352385.2); short protein forms T133A.
Identifiers: ClinVar variation 1482952 (VCV001482952.9), dbSNP rs781137671, ClinGen allele CA9873802.

ClinVar aggregate classification (germline): Uncertain significance. Review status: criteria provided, multiple submitters, no conflicts (2 of 4 stars). 2 submissions from 2 submitters: Uncertain significance (2). Last evaluated 2022-08-23.

Conditions:
Inborn genetic diseases. Identifiers: MedGen C0950123, MeSH D030342.
Combined immunodeficiency due to STK4 deficiency (IMD110). Also called: T-cell immunodeficiency, recurrent infections, and autoimmunity with or without cardiac malformations; STK4 DEFICIENCY; MST1 DEFICIENCY. Identifiers: Orphanet 314689, MedGen C3553943, MONDO:0013934, OMIM 614868.

Allele frequency attached by ClinVar (database versions not stated): ExAC 0.00001; gnomAD exomes 0.00001; TOPMed 0.00003.
gnomAD v4.1: 9 of 1,604,918 alleles (0.00056%); highest among the groups gnomAD compares: African/African-American, 0.011%; no homozygotes.

Submissions (2):

Labcorp Genetics (formerly Invitae), Labcorp
Classification: Uncertain significance for Combined immunodeficiency due to STK4 deficiency. Last evaluated: 2022-08-23. Review status: criteria provided, single submitter. Criteria: Invitae Variant Classification Sherloc (09022015). Collection method: clinical testing. Allele origin: germline.
Comment: In summary, the available evidence is currently insufficient to determine the role of this variant in disease. Therefore, it has been classified as a Variant of Uncertain Significance. Advanced modeling of protein sequence and biophysical properties (such as structural, functional, and spatial information, amino acid conservation, physicochemical variation, residue mobility, and thermodynamic stability) performed at Invitae indicates that this missense variant is not expected to disrupt STK4 protein function. ClinVar contains an entry for this variant (Variation ID: 1482952). This sequence change replaces threonine with alanine at codon 133 of the STK4 protein (p.Thr133Ala). The threonine residue is highly conserved and there is a small physicochemical difference between threonine and alanine. This variant is present in population databases (rs781137671, gnomAD 0.01%). This variant has not been reported in the literature in individuals affected with STK4-related conditions.

Ambry Genetics
Classification: Uncertain significance for Inborn genetic diseases. Last evaluated: 2022-08-01. Review status: criteria provided, single submitter. Criteria: Ambry Variant Classification Scheme 2023. Collection method: clinical testing. Allele origin: germline.